The following is an entry in ClinVar:

NM_138413.4(HOGA1):c.812G>A (p.Arg271His)

Gene: HOGA1 (4-hydroxy-2-oxoglutarate aldolase 1; plus strand). Cytogenetic location: 10q24.2.
Variant type: single nucleotide variant.
Coding change: c.812G>A on transcript NM_138413.4 (MANE Select); coding-DNA position 812, G replaced by A.
Protein change: p.Arg271His; replaces arginine 271 with histidine.
Molecular consequence: missense variant.
Genome position (GRCh38, 1-based): chr10:97,601,968, G>A. VCF-style: chr10-97601968-G-A. GRCh37 (hg19) VCF-style: chr10-99361725-G-A.
Other names: c.323G>A, p.Arg108His (NM_001134670.2); c.812G>A (NM_138413.3); short protein forms R108H, R271H.
Identifiers: ClinVar variation 1073203 (VCV001073203.17), dbSNP rs750974539, ClinGen allele CA5634249.

ClinVar aggregate classification (germline): Pathogenic/Likely pathogenic. Review status: criteria provided, multiple submitters, no conflicts (2 of 4 stars). 8 submissions from 8 submitters: Pathogenic (4); Likely pathogenic (3). 1 of the submissions does not count toward it. Last evaluated 2026-03-09.

Conditions:
Primary hyperoxaluria type 3. Also called: PH III. Identifiers: Orphanet 416, Orphanet 93600, MedGen C3150878, MONDO:0013327, OMIM 613616. Disease mechanism: loss of function.

Allele frequency attached by ClinVar (database versions not stated): gnomAD exomes 0.00001 and 0.00002; gnomAD 0.00003; ExAC 0.00004; TOPMed 0.00006.
gnomAD v4.1: 19 of 1,612,406 alleles (0.0012%); highest among the groups gnomAD compares: South Asian, 0.0077%; no homozygotes.

Submissions (8):

Dasa
Classification: Likely pathogenic. Last evaluated: 2026-03-09. Review status: criteria provided, single submitter. Criteria: DASA Assertion Criteria. Collection method: clinical testing. Allele origin: germline.
Comment: NM_138413.4(HOGA1):c.812G>A (p.Arg271His) is a missense variant that results in the substitution of arginine with histidine. This variant has been recurrently observed in individuals with related phenotype (PMID: 31123811; PMID: 31401635). Multiple computational predictions support a deleterious effect on the gene or gene product. The variant is present at low frequency in population datasets. Based on the available data, this variant is classified as likely pathogenic.

Labcorp Genetics (formerly Invitae), Labcorp
Classification: Pathogenic. Last evaluated: 2026-01-04. Review status: criteria provided, single submitter. Criteria: Invitae Variant Classification Sherloc (09022015). Collection method: clinical testing. Allele origin: germline.
Comment: This sequence change replaces arginine, which is basic and polar, with histidine, which is basic and polar, at codon 271 of the HOGA1 protein (p.Arg271His). This variant is present in population databases (rs750974539, gnomAD 0.02%). This missense change has been observed in individuals with primary hyperoxaluria type 3 (PMID: 31123811, 31401635). ClinVar contains an entry for this variant (Variation ID: 1073203). Invitae Evidence Modeling of protein sequence and biophysical properties (such as structural, functional, and spatial information, amino acid conservation, physicochemical variation, residue mobility, and thermodynamic stability) indicates that this missense variant is expected to disrupt HOGA1 protein function with a positive predictive value of 95%. This variant disrupts the p.Arg271 amino acid residue in HOGA1. Other variant(s) that disrupt this residue have been determined to be pathogenic (PMID: 31123811, 31401635; internal data). This suggests that this residue is clinically significant, and that variants that disrupt this residue are likely to be disease-causing. For these reasons, this variant has been classified as Pathogenic.

Natera, Inc.
Classification: Pathogenic for Primary hyperoxaluria type III. Last evaluated: 2025-12-01. Review status: criteria provided, single submitter. Criteria: Natera Variant Classification Schema (03/2026). Collection method: clinical testing. Allele origin: germline.
Comment: The c.812G>A variant in HOGA1 is a missense variant predicted to cause substitution of arginine to histidine at amino acid 271. This variant is rare in the general population with a frequency below the threshold expected for the associated phenotype(s). This variant has been observed in one or more individuals affected with the associated recessive disease, as either homozygous or compound heterozygous with a second variant (PMID: 34995728, 35149915, 31401635, 37306718). Computational prediction algorithms indicate this variant is likely to affect gene or protein function. Given the available evidence, this variant is classified as Pathogenic.

Fulgent Genetics
Classification: Pathogenic for Primary hyperoxaluria type 3. Last evaluated: 2024-01-25. Review status: criteria provided, single submitter. Criteria: ACMG Guidelines, 2015. Collection method: clinical testing. Allele origin: germline.

Genetics and Genomic Medicine Centre, NeuroGen Healthcare, NeuroGen Healthcare
Classification: Likely pathogenic for Primary hyperoxaluria type 3. Last evaluated: 2022-04-06. Review status: criteria provided, single submitter. Criteria: Submitter's publication. Collection method: clinical testing. Allele origin: unknown. Affected: no.

Juno Genomics, Hangzhou Juno Genomics, Inc
Classification: Likely pathogenic for Primary hyperoxaluria type 3. Review status: criteria provided, single submitter. Criteria: ACMG Guidelines, 2015. Collection method: clinical testing. Allele origin: germline.
Comment: Absent from controls (or at extremely low frequency if recessive) in Genome Aggregation Database.;Multiple lines of computational evidence support a deleterious effect on the gene or gene product.;For recessive disorders, detected in trans with a pathogenic variant.;Patient's phenotype or family history is highly specific for a disease with a single genetic etiology.

Kariminejad - Najmabadi Pathology & Genetics Center
Classification: Pathogenic for Primary hyperoxaluria type 3. Review status: criteria provided, single submitter. Criteria: ACMG Guidelines, 2015. Collection method: clinical testing. Allele origin: germline. Affected: no.

Chinese Inherited Urolithiasis Consortium, The Affiliated Yantai Yuhuangding Hospital of Qingdao University
Classification: Pathogenic for Primary hyperoxaluria type 3. Last evaluated: 2024-08-26. Review status: no assertion criteria provided. Collection method: clinical testing. Allele origin: maternal, paternal. Affected: yes. Observed: 5 variant alleles. Not counted in ClinVar's aggregate classification.

Literature cited by the submitters: PubMed 31123811 (cited by Dasa and Labcorp Genetics (formerly Invitae), Labcorp); PubMed 31401635 (cited by 3 submitters); PubMed 34995728 (cited by Natera, Inc.); PubMed 35149915 (cited by Natera, Inc.); PubMed 37306718 (cited by Natera, Inc.).